The following is an entry in ClinVar:

ClinVar aggregate classification (germline): Likely benign (1 of 4 stars; one submission).

Submission:

CeGaT Center for Human Genetics Tuebingen
Classification: Likely benign. Last evaluated: 2025-04-01. Review status: criteria provided, single submitter. Criteria: CeGaT Center For Human Genetics Tuebingen Variant Classification Criteria Version 2. Collection method: clinical testing. Allele origin: germline. Affected: yes. Observed: 1 variant allele.
Comment: DSCAM: PM4, BS1

NM_001389.5(DSCAM):c.5851GCCTCCTCC[1] (p.1951ASS[1])

Gene: DSCAM (DS cell adhesion molecule; minus strand). Cytogenetic location: 21q22.2.
Variant type: Microsatellite.
Coding change: c.5851GCCTCCTCC[1] on transcript NM_001389.5 (MANE Select); one copy of the 9-base unit GCCTCCTCC starting at c.5851; the reference has two copies in a row; one copy, 9 bases deleted.
Protein change: p.1951ASS[1].
Molecular consequence: inframe deletion. On other transcripts: non-coding transcript variant (1).
Genome position (GRCh38, 1-based): chr21:40,013,205-40,013,213, GGAGGAGGC deleted on the plus strand (GCCTCCTCC on the coding strand, the reverse complement: DSCAM is on the minus strand); deleting any 9 consecutive bases within chr21:40,013,205-40,013,224 gives the same sequence; the position shown is the placement nearest the transcript's 3' end. VCF-style (leftmost placement, unchanged base first): chr21-40013204-TGGAGGAGGC-T. GRCh37 (hg19) VCF-style: chr21-41385131-TGGAGGAGGC-T.
Other names: c.5797GCCTCCTCC[1], p.1933ASS[1] (NM_001271534.3).
Identifiers: ClinVar variation 3898067 (VCV003898067.7).